The following is an entry in ClinVar:

NM_006206.6(PDGFRA):c.1919C>T (p.Ala640Val)

Gene: PDGFRA (platelet derived growth factor receptor alpha; plus strand). Cytogenetic location: 4q12.
Variant type: single nucleotide variant.
Coding change: c.1919C>T on transcript NM_006206.6 (MANE Select); coding-DNA position 1919, C replaced by T.
Protein change: p.Ala640Val; replaces alanine 640 with valine.
Molecular consequence: missense variant.
Genome position (GRCh38, 1-based): chr4:54,277,923, C>T. VCF-style: chr4-54277923-C-T. GRCh37 (hg19) VCF-style: chr4-55144090-C-T.
Other names: c.1919C>T, p.Ala640Val (NM_001347827.2, NM_001347829.2); c.1994C>T, p.Ala665Val (NM_001347828.2); c.1958C>T, p.Ala653Val (NM_001347830.2); short protein forms A653V, A665V, A640V.
Identifiers: ClinVar variation 1782621 (VCV001782621.2), dbSNP rs2110311113, ClinGen allele CA356893625.

ClinVar aggregate classification (germline): Uncertain significance (1 of 4 stars; one submission).

Conditions:
Hereditary cancer-predisposing syndrome. Also called: Neoplastic Syndromes, Hereditary; Tumor predisposition; Hereditary Cancer Syndrome; Hereditary neoplastic syndrome. Identifiers: Orphanet 140162, MedGen C0027672, MeSH D009386, MONDO:0015356.

Submission:

Ambry Genetics
Classification: Uncertain significance for Hereditary cancer-predisposing syndrome. Last evaluated: 2022-06-20. Review status: criteria provided, single submitter. Criteria: Ambry Variant Classification Scheme 2023. Collection method: clinical testing. Allele origin: germline.
Comment: The p.A640V variant (also known as c.1919C>T), located in coding exon 13 of the PDGFRA gene, results from a C to T substitution at nucleotide position 1919. The alanine at codon 640 is replaced by valine, an amino acid with similar properties. This amino acid position is conserved. In addition, this alteration is predicted to be deleterious by in silico analysis. Since supporting evidence is limited at this time, the clinical significance of this alteration remains unclear.